The following is an entry in ClinVar:

NM_000143.4(FH):c.1028G>A (p.Arg343Gln)

Gene: FH (fumarate hydratase; minus strand). Cytogenetic location: 1q43.
Variant type: single nucleotide variant.
Coding change: c.1028G>A on transcript NM_000143.4 (MANE Select); coding-DNA position 1028, G replaced by A.
Protein change: p.Arg343Gln; replaces arginine 343 with glutamine.
Molecular consequence: missense variant.
Genome position (GRCh38, 1-based): chr1:241,504,122, C>T on the plus strand (G>A on the coding strand, the complement: FH is on the minus strand). VCF-style: chr1-241504122-C-T. GRCh37 (hg19) VCF-style: chr1-241667422-C-T.
Other names: short protein forms R343Q.
Identifiers: ClinVar variation 822038 (VCV000822038.19), dbSNP rs756990249, ClinGen allele CA1478558.
Genomic context (GRCh38, chr1:241,504,122, plus strand): 5'-GGTTCATTTTCAGGCAAGATCAATTCTCCCAGACCTGACCGAGGACCAGAACCCAAAAAT[C>T]GAATATCATTTGCTATCTTCATCAGACTGCAGGCAGTAGTGTTCATGGCTCCACTGAGCT-3'
Protein context (NP_000134.2, residues 333-353): CSLMKIANDI[Arg343Gln]FLGSGPRSGL

ClinVar aggregate classification (germline): Uncertain significance. Review status: criteria provided, multiple submitters, no conflicts (2 of 4 stars). 4 submissions from 4 submitters: Uncertain significance (3). 1 of the submissions does not count toward it. Last evaluated 2025-11-24.

Conditions:
Hereditary cancer-predisposing syndrome. Also called: Neoplastic Syndromes, Hereditary; Hereditary Cancer Syndrome; Hereditary neoplastic syndrome; Tumor predisposition. Identifiers: Orphanet 140162, MedGen C0027672, MeSH D009386, MONDO:0015356.
Fumarase deficiency (FMRD). Also called: Fumarate Hydratase Deficiency; Fumaric aciduria. Identifiers: Orphanet 24, MedGen C0342770, MONDO:0011730, OMIM 606812.

Allele frequency attached by ClinVar (database versions not stated): ExAC 0.00001; gnomAD exomes 0.00001; TOPMed 0.00001.
gnomAD v4.1: 5 of 1,614,194 alleles (0.00031%); highest among the groups gnomAD compares: Non-Finnish European, 0.00034%; no homozygotes.

Submissions (5):

Labcorp Genetics (formerly Invitae), Labcorp
Classification: Uncertain significance. Last evaluated: 2025-11-24. Review status: criteria provided, single submitter. Criteria: Invitae Variant Classification Sherloc (09022015). Collection method: clinical testing. Allele origin: germline.
Comment: This sequence change replaces arginine, which is basic and polar, with glutamine, which is neutral and polar, at codon 343 of the FH protein (p.Arg343Gln). This variant is present in population databases (rs756990249, gnomAD 0.003%). This variant has not been reported in the literature in individuals affected with FH-related conditions. ClinVar contains an entry for this variant (Variation ID: 822038). Invitae Evidence Modeling of protein sequence and biophysical properties (such as structural, functional, and spatial information, amino acid conservation, physicochemical variation, residue mobility, and thermodynamic stability) indicates that this missense variant is expected to disrupt FH protein function with a positive predictive value of 95%. Experimental studies have shown that this missense change affects FH function (PMID: 37255402). In summary, the available evidence is currently insufficient to determine the role of this variant in disease. Therefore, it has been classified as a Variant of Uncertain Significance.

Ambry Genetics
Classification: Uncertain significance for Hereditary cancer-predisposing syndrome. Last evaluated: 2024-01-26. Review status: criteria provided, single submitter. Criteria: Ambry Variant Classification Scheme 2023. Collection method: clinical testing. Allele origin: germline.
Comment: The p.R343Q variant (also known as c.1028G>A), located in coding exon 7 of the FH gene, results from a G to A substitution at nucleotide position 1028. The arginine at codon 343 is replaced by glutamine, an amino acid with highly similar properties. This amino acid position is highly conserved in available vertebrate species. In addition, this alteration is predicted to be deleterious by in silico analysis. Since supporting evidence is limited at this time, the clinical significance of this alteration remains unclear.

Sema4
Classification: Uncertain significance for Hereditary cancer-predisposing syndrome. Last evaluated: 2021-06-21. Review status: criteria provided, single submitter. Criteria: Sema4 Curation Guidelines. Collection method: curation. Allele origin: germline.
Comment: The FH c.1028G>A (p.R343Q) variant has been reported in heterozygosity in at least one uterine leiomyoma tumor sample (PMID: 32612247). It was observed in 1/30612 chromosomes of the South Asian subpopulation in the Genome Aggregation Database. The variant has been reported in ClinVar (Variation ID 822038). In silico tools suggest the impact of the variant on protein function is deleterious, though these predictions have not been confirmed by functional studies. The evidence is insufficient to meet ACMG/AMP criteria for classifying the variant as benign or pathogenic. Thus, the clinical significance of this variant is currently uncertain.

Natera, Inc.
Classification: Uncertain significance for Fumarase Deficiency. Last evaluated: 2021-10-11. Review status: no assertion criteria provided. Collection method: clinical testing. Allele origin: germline. Not counted in ClinVar's aggregate classification.

Blake Wilde Laboratory, Roswell Park Comprehensive Cancer Center
No classification provided (evidence only). Condition: Hereditary leiomyomatosis and renal cell cancer. Review status: no classification provided. Collection method: in vitro. Allele origin: not applicable. Functional consequence: decreased enzyme activity. Not counted in ClinVar's aggregate classification.

Literature cited by the submitters: PubMed 37255402 (cited by Labcorp Genetics (formerly Invitae), Labcorp); PubMed 32612247 (cited by Sema4).